The following is an entry in ClinVar:

ClinVar aggregate classification (germline): Uncertain significance. Review status: criteria provided, multiple submitters, no conflicts (2 of 4 stars). 2 submissions from 2 submitters: Uncertain significance (2). Last evaluated 2026-09-11.

Allele frequency attached by ClinVar (database versions not stated): gnomAD 0.00001; gnomAD exomes 0.00004; TOPMed 0.00006.
gnomAD v4.1: 57 of 1,550,790 alleles (0.0037%); highest among the groups gnomAD compares: Admixed American, 0.045%; no homozygotes.

Submissions (2):

GeneDx
Classification: Uncertain significance. Last evaluated: 2026-09-11. Review status: criteria provided, single submitter. Criteria: GeneDx Variant Classification Process June 2021. Collection method: clinical testing. Allele origin: germline.
Comment: In silico analysis suggests that this missense variant does not alter protein structure/function; In silico analysis suggests this variant may impact gene splicing. In the absence of RNA/functional studies, the actual effect of this sequence change is unknown.; Has not been previously published as pathogenic or benign to our knowledge

Blueprint Genetics
Classification: Uncertain significance. Last evaluated: 2022-11-08. Review status: criteria provided, single submitter. Criteria: ACMG Guidelines, 2015. Collection method: clinical testing. Allele origin: germline.

NM_001145308.5(LRTOMT):c.155G>A (p.Arg52Gln)

Genes: LRTOMT (leucine rich transmembrane and O-methyltransferase domain containing; plus strand), TOMT (transmembrane O-methyltransferase; plus strand). Cytogenetic location: 11q13.4.
Variant type: single nucleotide variant.
Coding change: c.155G>A on transcript NM_001145308.5; coding-DNA position 155, G replaced by A.
Protein change: p.Arg52Gln; replaces arginine 52 with glutamine.
Molecular consequence: missense variant. On other transcripts: intron variant (1).
Genome position (GRCh38, 1-based): chr11:72,106,007, G>A. VCF-style: chr11-72106007-G-A. GRCh37 (hg19) VCF-style: chr11-71817053-G-A.
Other names: c.56G>A, p.Arg19Gln (NM_001393500.2); c.155G>A, p.Arg52Gln (NM_001145309.4); c.84-49G>A (NM_001145310.4); short protein forms R19Q, R52Q.
Identifiers: ClinVar variation 1810173 (VCV001810173.4), dbSNP rs950057959, ClinGen allele CA224374463.